The following is an entry in ClinVar:

NM_001165963.4(SCN1A):c.1019C>T (p.Ser340Phe)

Gene: SCN1A (sodium voltage-gated channel alpha subunit 1; minus strand). Cytogenetic location: 2q24.3.
Variant type: single nucleotide variant.
Coding change: c.1019C>T on transcript NM_001165963.4 (MANE Select); coding-DNA position 1019, C replaced by T.
Protein change: p.Ser340Phe; replaces serine 340 with phenylalanine.
Molecular consequence: missense variant. On other transcripts: 5 prime UTR variant (1), non-coding transcript variant (1).
Genome position (GRCh38, 1-based): chr2:166,048,895, G>A on the plus strand (C>T on the coding strand, the complement: SCN1A is on the minus strand). VCF-style: chr2-166048895-G-A. GRCh37 (hg19) VCF-style: chr2-166905405-G-A.
Other names: c.1019C>T, p.Ser340Phe (NM_001165964.3, NM_001202435.3, NM_001353948.2 and 10 more transcripts); c.-1407C>T (NM_001353961.2); short protein forms S340F.
Identifiers: ClinVar variation 2734314 (VCV002734314.3), dbSNP rs2105874070, ClinGen allele CA349071562.

ClinVar aggregate classification (germline): Pathogenic (1 of 4 stars; one submission).

Conditions:
Early-infantile DEE. Also called: Early infantile epileptic encephalopathy; Early infantile epileptic encephalopathy with suppression bursts; Ohtahara syndrome. Identifiers: Orphanet 1934, MedGen C0393706, MONDO:0800491.

Submission:

Labcorp Genetics (formerly Invitae), Labcorp
Classification: Pathogenic for Early-infantile DEE. Last evaluated: 2024-07-16. Review status: criteria provided, single submitter. Criteria: Invitae Variant Classification Sherloc (09022015). Collection method: clinical testing. Allele origin: germline.
Comment: This sequence change replaces serine, which is neutral and polar, with phenylalanine, which is neutral and non-polar, at codon 340 of the SCN1A protein (p.Ser340Phe). This variant is not present in population databases (gnomAD no frequency). This missense change has been observed in individual(s) with Dravet syndrome (PMID: 18930999). Advanced modeling of protein sequence and biophysical properties (such as structural, functional, and spatial information, amino acid conservation, physicochemical variation, residue mobility, and thermodynamic stability) performed at Invitae indicates that this missense variant is expected to disrupt SCN1A protein function with a positive predictive value of 95%. This variant disrupts the p.Ser340 amino acid residue in SCN1A. Other variant(s) that disrupt this residue have been determined to be pathogenic (Invitae). This suggests that this residue is clinically significant, and that variants that disrupt this residue are likely to be disease-causing. For these reasons, this variant has been classified as Pathogenic.

Literature cited by the submitters: PubMed 18930999.